The following is an entry in ClinVar:

NM_000368.5(TSC1):c.1771C>T (p.Pro591Ser)

Gene: TSC1 (TSC complex subunit 1; minus strand). Cytogenetic location: 9q34.13.
Variant type: single nucleotide variant.
Coding change: c.1771C>T on transcript NM_000368.5 (MANE Select); coding-DNA position 1771, C replaced by T.
Protein change: p.Pro591Ser; replaces proline 591 with serine.
Molecular consequence: missense variant.
Genome position (GRCh38, 1-based): chr9:132,905,807, G>A on the plus strand (C>T on the coding strand, the complement: TSC1 is on the minus strand). VCF-style: chr9-132905807-G-A. GRCh37 (hg19) VCF-style: chr9-135781194-G-A.
Other names: c.1768C>T, p.Pro590Ser (NM_001162426.2); c.1618C>T, p.Pro540Ser (NM_001162427.2); c.1408C>T, p.Pro470Ser (NM_001362177.2); short protein forms P591S, P470S, P540S, P590S.
Identifiers: ClinVar variation 534412 (VCV000534412.16), dbSNP rs1429666367, ClinGen allele CA375363652.
Genomic context (GRCh38, chr9:132,905,807, plus strand): 5'-CCACCTCAAAAAGATGATCATACGGGGGAGGCTGCCCGCTTCCAAAGCCCACTCTCGTCG[G>A]AGGTGGAATTTTACAAGGACTGGGAGTGAAGATACTGGTCTCCAAAGAAGTCTGGCATTC-3'
Protein context (NP_000359.1, residues 581-601): FTPSPCKIPP[Pro591Ser]TRVGFGSGQP

ClinVar aggregate classification (germline): Conflicting classifications of pathogenicity. Review status: criteria provided, conflicting classifications (1 of 4 stars). 4 submissions from 4 submitters: Uncertain significance (2); Benign (1); Likely benign (1). Last evaluated 2026-01-18.

Conditions:
Hereditary cancer-predisposing syndrome. Also called: Neoplastic Syndromes, Hereditary; Hereditary neoplastic syndrome; Tumor predisposition; Hereditary Cancer Syndrome. Identifiers: Orphanet 140162, MedGen C0027672, MeSH D009386, MONDO:0015356.
Tuberous sclerosis syndrome (TSC). Also called: Tuberous Sclerosis Complex; Tuberous sclerosis. Identifiers: Orphanet 805, MedGen C0041341, MONDO:0001734.
Tuberous sclerosis 1 (TSC1). Identifiers: Orphanet 805, MedGen C1854465, MONDO:0008612, OMIM 191100.

Allele frequency attached by ClinVar (database versions not stated): gnomAD exomes below 0.00001.
gnomAD v4.1: 2 of 1,614,220 alleles (0.00012%); highest among the groups gnomAD compares: Non-Finnish European, 0.00017%; no homozygotes.

Submissions (4):

Labcorp Genetics (formerly Invitae), Labcorp
Classification: Benign for Tuberous sclerosis 1. Last evaluated: 2026-01-18. Review status: criteria provided, single submitter. Criteria: Invitae Variant Classification Sherloc (09022015). Collection method: clinical testing. Allele origin: germline.

All of Us Research Program, National Institutes of Health
Classification: Uncertain significance for Tuberous sclerosis syndrome. Last evaluated: 2024-05-14. Review status: criteria provided, single submitter. Criteria: ACMG Guidelines, 2015. Collection method: clinical testing. Allele origin: germline. Inheritance: Autosomal dominant inheritance. Observed: 5 variant alleles, 5 heterozygotes.
Comment: This missense variant replaces proline with serine at codon 591 of the TSC1 protein. Computational prediction suggests that this variant may not impact protein structure and function (internally defined REVEL score threshold <= 0.5, PMID: 27666373). To our knowledge, functional studies have not been reported for this variant. This variant has not been reported in individuals affected with TSC1-related disorders in the literature. This variant has been identified in 1/251066 chromosomes in the general population by the Genome Aggregation Database (gnomAD). The available evidence is insufficient to determine the role of this variant in disease conclusively. Therefore, this variant is classified as a Variant of Uncertain Significance.

This study involves interpretation of variants in research participants for the purpose of population health screening. Participant phenotype was not available at the time of variant classification. Additional details can be found in publication PMID: 35346344, PMCID: PMC8962531

GeneDx
Classification: Uncertain significance. Last evaluated: 2022-08-09. Review status: criteria provided, single submitter. Criteria: GeneDx Variant Classification Process June 2021. Collection method: clinical testing. Allele origin: germline. Affected: yes.
Comment: In silico analysis supports that this missense variant does not alter protein structure/function; Has not been previously published as pathogenic or benign to our knowledge

Ambry Genetics
Classification: Likely benign for Hereditary cancer-predisposing syndrome. Last evaluated: 2021-03-23. Review status: criteria provided, single submitter. Criteria: Ambry Variant Classification Scheme 2023. Collection method: clinical testing. Allele origin: germline.